The following is an entry in ClinVar:

ClinVar aggregate classification (germline): Pathogenic (1 of 4 stars; one submission).

Conditions:
Familial hemophagocytic lymphohistiocytosis 3 (FHL3). Also called: UNC13D-Related Familial Hemophagocytic Lymphohistiocytosis (UNC13D-fHLH). Identifiers: Orphanet 540, MedGen C1837174, MONDO:0012146, OMIM 608898.

Submission:

Labcorp Genetics (formerly Invitae), Labcorp
Classification: Pathogenic for Familial hemophagocytic lymphohistiocytosis 3. Last evaluated: 2024-12-24. Review status: criteria provided, single submitter. Criteria: Invitae Variant Classification Sherloc (09022015). Collection method: clinical testing. Allele origin: germline.
Comment: This sequence change creates a premature translational stop signal (p.Asp324Thrfs*4) in the UNC13D gene. It is expected to result in an absent or disrupted protein product. Loss-of-function variants in UNC13D are known to be pathogenic (PMID: 14622600). This variant is not present in population databases (gnomAD no frequency). This variant has not been reported in the literature in individuals affected with UNC13D-related conditions. For these reasons, this variant has been classified as Pathogenic.

Literature cited by the submitters: PubMed 14622600.

NM_199242.3(UNC13D):c.970del (p.Asp324fs)

Gene: UNC13D (unc-13 homolog D; minus strand). Cytogenetic location: 17q25.1.
Variant type: Deletion.
Coding change: c.970del on transcript NM_199242.3 (MANE Select); coding-DNA position 970, one base deleted (G; older notation c.970delG).
Protein change: p.Asp324fs; shifts the reading frame from aspartic acid 324.
Molecular consequence: frameshift variant.
Genome position (GRCh38, 1-based): chr17:75,839,924, C deleted on the plus strand (G on the coding strand, the reverse complement: UNC13D is on the minus strand); the first of 3 consecutive C bases (chr17:75,839,924-75,839,926); deleting any one gives the same sequence. VCF-style (leftmost placement, unchanged base first): chr17-75839923-TC-T. GRCh37 (hg19) VCF-style: chr17-73836004-TC-T.
Other names: short protein forms D324fs.
Identifiers: ClinVar variation 3727905 (VCV003727905.2).